The following is an entry in ClinVar:

ClinVar aggregate classification (germline): Uncertain significance. Review status: criteria provided, multiple submitters, no conflicts (2 of 4 stars). 2 submissions from 2 submitters: Uncertain significance (2). Last evaluated 2025-10-15.

Conditions:
Inborn genetic diseases. Identifiers: MedGen C0950123, MeSH D030342.

gnomAD v4.1: 1 of 1,614,034 alleles (0.000062%); highest among the groups gnomAD compares: Admixed American, 0.0017%; no homozygotes.

Submissions (2):

Ambry Genetics
Classification: Uncertain significance for Inborn genetic diseases. Last evaluated: 2025-10-15. Review status: criteria provided, single submitter. Criteria: Ambry Variant Classification Scheme 2023. Collection method: clinical testing. Allele origin: germline.

GeneDx
Classification: Uncertain significance. Last evaluated: 2025-07-10. Review status: criteria provided, single submitter. Criteria: GeneDx Variant Classification Process June 2021. Collection method: clinical testing. Allele origin: germline. Affected: yes.
Comment: In silico analysis suggests that this missense variant does not alter protein structure/function; Has not been previously published as pathogenic or benign to our knowledge

NM_001003800.2(BICD2):c.1159G>T (p.Val387Leu)

Gene: BICD2 (BICD cargo adaptor 2; minus strand). Cytogenetic location: 9q22.31.
Variant type: single nucleotide variant.
Coding change: c.1159G>T on transcript NM_001003800.2 (MANE Select); coding-DNA position 1159, G replaced by T.
Protein change: p.Val387Leu; replaces valine 387 with leucine.
Molecular consequence: missense variant.
Genome position (GRCh38, 1-based): chr9:92,719,486, C>A on the plus strand (G>T on the coding strand, the complement: BICD2 is on the minus strand). VCF-style: chr9-92719486-C-A. GRCh37 (hg19) VCF-style: chr9-95481768-C-A.
Other names: c.1159G>T, p.Val387Leu (NM_015250.4); short protein forms V387L.
Identifiers: ClinVar variation 4596339 (VCV004596339.2).